The following is an entry in ClinVar:

NM_000038.6(APC):c.7580A>G (p.Asp2527Gly)

Gene: APC (APC regulator of Wnt signaling pathway; plus strand). Cytogenetic location: 5q22.2.
Variant type: single nucleotide variant.
Coding change: c.7580A>G on transcript NM_000038.6 (MANE Select); coding-DNA position 7580, A replaced by G.
Protein change: p.Asp2527Gly; replaces aspartic acid 2527 with glycine.
Molecular consequence: missense variant. On other transcripts: non-coding transcript variant (2).
Genome position (GRCh38, 1-based): chr5:112,843,174, A>G. VCF-style: chr5-112843174-A-G. GRCh37 (hg19) VCF-style: chr5-112178871-A-G.
Other names: c.7277A>G, p.Asp2426Gly (NM_001354903.2, NM_001407458.1, NM_001407459.1 and 1 more transcripts); c.7202A>G, p.Asp2401Gly (NM_001354904.2); c.7100A>G, p.Asp2367Gly (NM_001354905.2); c.6731A>G, p.Asp2244Gly (NM_001354906.2, NM_001407470.1); c.7664A>G, p.Asp2555Gly (NM_001407446.1); c.7580A>G, p.Asp2527Gly (NM_001407450.1, NM_001127510.3, NM_001354895.2); c.7634A>G, p.Asp2545Gly (NM_001407448.1, NM_001407447.1, NM_001407449.1 and 1 more transcripts); c.7559A>G, p.Asp2520Gly (NM_001407451.1); and 11 more; short protein forms D2143G, D2244G, D2367G, D2398G, D2401G, D2426G, D2436G, D2444G.
Identifiers: ClinVar variation 4757462 (VCV004757462.1).
Genomic context (GRCh38, chr5:112,843,174, plus strand): 5'-TCCCACCTAATCTCAGTCCCACTATAGAGTATAATGATGGAAGACCAGCAAAGCGCCATG[A>G]TATTGCACGGTCTCATTCTGAAAGTCCTTCTAGACTTCCAATCAATAGGTCAGGAACCTG-3'
Protein context (NP_000029.2, residues 2517-2537): YNDGRPAKRH[Asp2527Gly]IARSHSESPS

ClinVar aggregate classification (germline): Uncertain significance (1 of 4 stars; one submission).

Conditions:
Hereditary cancer-predisposing syndrome. Also called: Tumor predisposition; Hereditary Cancer Syndrome; Neoplastic Syndromes, Hereditary; Hereditary neoplastic syndrome. Identifiers: Orphanet 140162, MedGen C0027672, MeSH D009386, MONDO:0015356.

Submission:

Color Diagnostics, LLC DBA Color Health
Classification: Uncertain significance for Hereditary cancer-predisposing syndrome. Last evaluated: 2025-07-03. Review status: criteria provided, single submitter. Criteria: ACMG Guidelines, 2015. Collection method: clinical testing. Allele origin: germline.
Comment: This missense variant replaces aspartic acid with glycine at codon 2527 of the APC protein. Computational prediction is inconclusive regarding the impact of this variant on protein structure and function. To our knowledge, functional studies have not been reported for this variant. This variant has not been reported in individuals affected with APC-related disorders in the literature. This variant has not been identified in the general population by the Genome Aggregation Database (gnomAD). The available evidence is insufficient to determine the role of this variant in disease conclusively. Therefore, this variant is classified as a Variant of Uncertain Significance.